The following is an entry in ClinVar:

ClinVar aggregate classification (germline): Uncertain significance. Review status: criteria provided, multiple submitters, no conflicts (2 of 4 stars). 2 submissions from 2 submitters: Uncertain significance (2). Last evaluated 2021-08-11.

Conditions:
Orofaciodigital syndrome type 6 (OFD6). Also called: OROFACIODIGITAL SYNDROME VI; OFDS VI; POLYDACTYLY, CLEFT LIP/PALATE OR LINGUAL LUMP, AND PSYCHOMOTOR RETARDATION; VARADI SYNDROME; VARADI-PAPP SYNDROME; Oral-facial-digital syndrome type 6. Identifiers: Orphanet 2754, MedGen C2745997, MONDO:0010176, OMIM 277170.
Joubert syndrome 17 (JBTS17). Identifiers: Orphanet 475, MedGen C3553264, MONDO:0013824, OMIM 614615.

Allele frequency attached by ClinVar (database versions not stated): TOPMed below 0.00001; gnomAD exomes 0.00001.
gnomAD v4.1: 20 of 1,613,878 alleles (0.0012%); highest among the groups gnomAD compares: Non-Finnish European, 0.0017%; no homozygotes.

Submissions (2):

Labcorp Genetics (formerly Invitae), Labcorp
Classification: Uncertain significance. Last evaluated: 2021-08-11. Review status: criteria provided, single submitter. Criteria: Invitae Variant Classification Sherloc (09022015). Collection method: clinical testing. Allele origin: germline.
Comment: This variant is not present in population databases (ExAC no frequency). This variant has not been reported in the literature in individuals affected with CPLANE1-related conditions. ClinVar contains an entry for this variant (Variation ID: 689748). Advanced modeling of protein sequence and biophysical properties (such as structural, functional, and spatial information, amino acid conservation, physicochemical variation, residue mobility, and thermodynamic stability) performed at Invitae indicates that this missense variant is not expected to disrupt CPLANE1 protein function. In summary, the available evidence is currently insufficient to determine the role of this variant in disease. Therefore, it has been classified as a Variant of Uncertain Significance. This sequence change replaces glutamic acid with glycine at codon 1959 of the CPLANE1 protein (p.Glu1959Gly). The glutamic acid residue is moderately conserved and there is a moderate physicochemical difference between glutamic acid and glycine.

Baylor Genetics
Classification: Uncertain significance for Joubert syndrome 17; Orofaciodigital syndrome type 6. Last evaluated: 2012-09-26. Review status: criteria provided, single submitter. Criteria: ACMG Guidelines, 2015. Collection method: clinical testing. Allele origin: germline. Affected: yes.

NM_001384732.1(CPLANE1):c.5876A>G (p.Glu1959Gly)

Gene: CPLANE1 (ciliogenesis and planar polarity effector complex subunit 1; minus strand). Cytogenetic location: 5p13.2.
Variant type: single nucleotide variant.
Coding change: c.5876A>G on transcript NM_001384732.1 (MANE Select); coding-DNA position 5876, A replaced by G.
Protein change: p.Glu1959Gly; replaces glutamic acid 1959 with glycine.
Molecular consequence: missense variant.
Genome position (GRCh38, 1-based): chr5:37,177,645, T>C on the plus strand (A>G on the coding strand, the complement: CPLANE1 is on the minus strand). VCF-style: chr5-37177645-T-C. GRCh37 (hg19) VCF-style: chr5-37177747-T-C.
Other names: c.5876A>G, p.Glu1959Gly (NM_023073.4); short protein forms E1959G.
Identifiers: ClinVar variation 689748 (VCV000689748.8), dbSNP rs1230715850, ClinGen allele CA359487266.
Genomic context (GRCh38, chr5:37,177,645, plus strand): 5'-CAGTGACAATCACTGTCATACTTTTTTCCCCCTTACCCTTTTTGTTCAGTCGATTTTTCC[T>C]CCATAATTGTCTCCAGTGGTTCTTCCCTTTGACACTGAACCTCTTCTGTGAACTCCTGTT-3'
Protein context (NP_001371661.1, residues 1949-1969): QREEPLETIM[Glu1959Gly]EKSTEQKGMI